The following is an entry in ClinVar:

ClinVar aggregate classification (germline): Pathogenic (1 of 4 stars; one submission).

Submission:

Labcorp Genetics (formerly Invitae), Labcorp
Classification: Pathogenic. Last evaluated: 2020-03-20. Review status: criteria provided, single submitter. Criteria: Invitae Variant Classification Sherloc (09022015). Collection method: clinical testing. Allele origin: germline.
Comment: This variant results in the deletion of part of exon 3 and all of exons 4-7 of the SON gene. While this is not anticipated to result in nonsense mediated decay, it likely alters RNA splicing and results in a disrupted protein product. This variant has been observed in individual(s) with clinical features of Zhu-Tokita-Takenouchi-Kim syndrome (Invitae). In at least one individual the variant was observed to be de novo. For these reasons, this variant has been classified as Pathogenic.

NC_000021.8:g.(?_34923768)_34933642del

Gene: SON (SON DNA and RNA binding protein; plus strand).
Variant type: Deletion.
Identifiers: ClinVar variation 1074571 (VCV001074571.2).